The following is an entry in ClinVar:

ClinVar aggregate classification (germline): Likely pathogenic (1 of 4 stars; one submission).

Conditions:
FOXC1-related disorder. Also called: FOXC1-related condition.

Submission:

PreventionGenetics, part of Exact Sciences
Classification: Likely pathogenic for FOXC1-related condition. Last evaluated: 2025-06-12. Review status: criteria provided, single submitter. Criteria: ACMG Guidelines, 2015. Collection method: clinical testing. Allele origin: germline.
Comment: The FOXC1 c.478_484dup7 variant is predicted to result in premature protein termination (p.Phe162*). To our knowledge, this variant has not been reported in the literature. This variant is absent in a large population database (gnomAD), indicating this variant is rare. Nonsense variants in FOXC1 are an established mechanism of disease. This variant is interpreted as likely pathogenic.

NM_001453.3(FOXC1):c.478_484dup (p.Phe162Ter)

Gene: FOXC1 (forkhead box C1; plus strand). Cytogenetic location: 6p25.3.
Variant type: Duplication.
Coding change: c.478_484dup on transcript NM_001453.3 (MANE Select); coding-DNA positions 478 to 484, 7 bases duplicated (AACATGT; older notation c.478_484dupAACATGT).
Protein change: p.Phe162Ter; replaces phenylalanine 162 with a stop codon.
Molecular consequence: nonsense.
Genome position (GRCh38, 1-based): chr6:1,610,923-1,610,929, AACATGT duplicated. VCF-style (leftmost placement, unchanged base first): chr6-1610922-C-CAACATGT. GRCh37 (hg19) VCF-style: chr6-1611157-C-CAACATGT.
Other names: short protein forms F162*.
Identifiers: ClinVar variation 5000976 (VCV005000976.1).